The following is an entry in ClinVar:

ClinVar aggregate classification (germline): Pathogenic/Likely pathogenic. Review status: criteria provided, multiple submitters, no conflicts (2 of 4 stars). 10 submissions from 10 submitters: Pathogenic (8); Likely pathogenic (2). Last evaluated 2025-07-05.

Conditions:
Breast and/or ovarian cancer. Identifiers: MedGen CN221562.
Hereditary cancer-predisposing syndrome. Also called: Hereditary neoplastic syndrome; Neoplastic Syndromes, Hereditary; Tumor predisposition; Hereditary Cancer Syndrome. Identifiers: Orphanet 140162, MedGen C0027672, MeSH D009386, MONDO:0015356.
Hereditary breast ovarian cancer syndrome. Also called: Hereditary breast and ovarian cancer syndrome (HBOC); Breast and ovarian cancer; Hereditary breast and/or ovarian cancer syndrome; BRCA1- and BRCA2-Associated Hereditary Breast and Ovarian Cancer; Hereditary breast and ovarian cancer syndrome; Hereditary breast and ovarian cancer. Identifiers: Orphanet 145, MedGen C0677776, MeSH D061325, MONDO:0003582. Disease mechanism: loss of function.
Familial cancer of breast. Also called: BREAST CANCER, FAMILIAL; Hereditary breast cancer; hereditary breast carcinoma. Identifiers: Orphanet 227535, MedGen C0346153, MONDO:0016419, OMIM 114480. Disease mechanism: loss of function.

Allele frequency attached by ClinVar (database versions not stated): gnomAD exomes 0.00002.

Submissions (10):

Labcorp Genetics (formerly Invitae), Labcorp
Classification: Pathogenic for Familial cancer of breast. Last evaluated: 2025-07-05. Review status: criteria provided, single submitter. Criteria: Invitae Variant Classification Sherloc (09022015). Collection method: clinical testing. Allele origin: germline.
Comment: This sequence change creates a premature translational stop signal (p.Glu219Asnfs*16) in the CHEK2 gene. It is expected to result in an absent or disrupted protein product. Loss-of-function variants in CHEK2 are known to be pathogenic (PMID: 21876083, 24713400). This variant is not present in population databases (gnomAD no frequency). This variant has not been reported in the literature in individuals affected with CHEK2-related conditions. ClinVar contains an entry for this variant (Variation ID: 185842). RNA analysis performed to evaluate the impact of this premature translational stop signal on mRNA splicing indicates it does not significantly alter splicing (internal data). For these reasons, this variant has been classified as Pathogenic.

Women's Health and Genetics/Laboratory Corporation of America, LabCorp
Classification: Pathogenic for Hereditary breast ovarian cancer syndrome. Last evaluated: 2024-11-14. Review status: criteria provided, single submitter. Criteria: LabCorp Variant Classification Summary - May 2015. Collection method: clinical testing. Allele origin: germline.
Comment: Variant summary: CHEK2 c.655delG (p.Glu219AsnfsX16) results in a premature termination codon, predicted to cause a truncation of the encoded protein or absence of the protein due to nonsense mediated decay, which are commonly known mechanisms for disease. The variant was absent in 230178 control chromosomes (gnomAD). c.655delG has been reported in the literature in individuals affected with CHEK2-related conditions (example: Whitworth_2018). The following publication has been ascertained in the context of this evaluation (PMID: 29909963). ClinVar contains an entry for this variant (Variation ID: 185842). Based on the evidence outlined above, the variant was classified as pathogenic.

Ambry Genetics
Classification: Pathogenic for Hereditary cancer-predisposing syndrome. Last evaluated: 2023-10-10. Review status: criteria provided, single submitter. Criteria: Ambry Variant Classification Scheme 2023. Collection method: clinical testing. Allele origin: germline.
Comment: The c.655delG pathogenic mutation, located in coding exon 4 of the CHEK2 gene, results from a deletion of one nucleotide at nucleotide position 655, causing a translational frameshift with a predicted alternate stop codon (p.E219Nfs*16). This alteration, designated as NM_001005735 c.784delG, has been reported in a cohort of 460 individuals from 440 families with at least two primary tumors by age 60 years or at least three by 70 years (Whitworth J et al. Am J Hum Genet, 2018 07;103:3-18). This variant is considered to be rare based on population cohorts in the Genome Aggregation Database (gnomAD). In addition to the clinical data presented in the literature, this alteration is expected to result in loss of function by premature protein truncation or nonsense-mediated mRNA decay. As such, this alteration is interpreted as a disease-causing mutation.

Baylor Genetics
Classification: Pathogenic for Familial cancer of breast. Last evaluated: 2023-07-13. Review status: criteria provided, single submitter. Criteria: ACMG Guidelines, 2015. Collection method: clinical testing. Allele origin: unknown.

Myriad Genetics, Inc.
Classification: Pathogenic for Familial cancer of breast. Last evaluated: 2023-06-26. Review status: criteria provided, single submitter. Criteria: Myriad Autosomal Dominant, Autosomal Recessive and X-Linked Classification Criteria (2023). Collection method: clinical testing. Allele origin: unknown.
Comment: This variant is considered pathogenic. This variant creates a frameshift predicted to result in premature protein truncation.

Genetics and Molecular Pathology, SA Pathology
Classification: Pathogenic for Familial cancer of breast. Last evaluated: 2021-10-15. Review status: criteria provided, single submitter. Criteria: ACMG Guidelines, 2015. Collection method: clinical testing. Allele origin: germline. Affected: yes.
Comment: CHEK2:c.655del is a deletion of a single nucleotide in exon 5 predicted to encode a frameshift of the mature mRNA with consequent premature termination of protein synthesis at codon 16 of the frameshift, or 234 (CHEK2:p.( Glu219AsnfsTer16)) using NP_009125.1. This is predicted to result in absent CHEK2 protein due to nonsense mediated decay (NMD). If NMD is escaped, this variant is expected to encode a truncated protein. Variants of this type are widely accepted to be pathogenic (Tayoun, et al., 2018, PMID:30192042) (PVS1). CHEK2:c.655del (rs786202497) is absent from population databases and is not on record in the control database FLOSSIES (PM2). This variant has been detected in one individual with colorectal polyps and parathyroid cancer, and one individual with prostate cancer (Whitworth et al., 2018, PMID:29909963; Nguyen-Dumont et al., 2020, PMID:32338768). This variant has not been reported in the scientific literature in association with breast cancer.

CHEO Genetics Diagnostic Laboratory, Children's Hospital of Eastern Ontario
Classification: Likely pathogenic for Breast and/or ovarian cancer. Last evaluated: 2021-03-07. Review status: criteria provided, single submitter. Criteria: ACMG Guidelines, 2015. Collection method: clinical testing. Allele origin: germline.

Color Diagnostics, LLC DBA Color Health
Classification: Pathogenic for Hereditary cancer-predisposing syndrome. Last evaluated: 2021-02-01. Review status: criteria provided, single submitter. Criteria: ACMG Guidelines, 2015. Collection method: clinical testing. Allele origin: germline.
Comment: This variant deletes 1 nucleotide in exon 5 of the CHEK2 gene, creating a frameshift and premature translation stop signal. This variant is expected to result in an absent or non-functional protein product. This variant has been reported in individuals affected with multiple primary tumor (PMID: 29909963) and prostate cancer (PMID: 32338768). This variant has not been identified in the general population by the Genome Aggregation Database (gnomAD). Loss of CHEK2 function is a known mechanism of disease. Based on the available evidence, this variant is classified as Pathogenic.

Academic Department of Medical Genetics, University of Cambridge
Classification: Likely pathogenic for Hereditary cancer-predisposing syndrome. Last evaluated: 2018-01-26. Review status: criteria provided, single submitter. Criteria: ACMG Guidelines, 2015. Collection method: research. Allele origin: germline. Affected: yes. Observed: 1 heterozygote.
Comment: Application of AMCG guidelines 2015. Used other ClinVar submission evidence where relevant. Loss of heterozygosity in tumours or immunohistochemistry abnormalities considered functional evidence of pathogenicity.

Identified as part of research study of individuals with multiple primary tumours referred for genetic assessment

GeneDx
Classification: Pathogenic. Last evaluated: 2017-06-02. Review status: criteria provided, single submitter. Criteria: GeneDx Variant Classification (06012015). Collection method: clinical testing. Allele origin: germline. Affected: yes.
Comment: This deletion of one nucleotide in CHEK2 is denoted c.655delG at the cDNA level and p.Glu219AsnfsX16 (E219NfsX16) at the protein level. The normal sequence, with the base that is deleted in brackets, is AGAT[delG]AATA. The deletion causes a frameshift which changes a Glutamic Acid to an Asparagine at codon 219, and creates a premature stop codon at position 16 of the new reading frame. Although this variant has not, to our knowledge, been reported in the literature, it is predicted to cause loss of normal protein function through either protein truncation or nonsense-mediated mRNA decay. We consider this variant to be pathogenic.

Literature cited by the submitters: PubMed 21876083 (cited by Labcorp Genetics (formerly Invitae), Labcorp); PubMed 24713400 (cited by Labcorp Genetics (formerly Invitae), Labcorp); PubMed 29909963 (cited by 3 submitters); PubMed 32338768 (cited by Genetics and Molecular Pathology, SA Pathology).

NM_007194.4(CHEK2):c.655del (p.Glu219fs)

Gene: CHEK2 (checkpoint kinase 2; minus strand). Cytogenetic location: 22q12.1.
Variant type: Deletion.
Coding change: c.655del on transcript NM_007194.4 (MANE Select); coding-DNA position 655, one base deleted (G; older notation c.655delG).
Protein change: p.Glu219fs; shifts the reading frame from glutamic acid 219.
Molecular consequence: frameshift variant. On other transcripts: 5 prime UTR variant (2), intron variant (1).
Genome position (GRCh38, 1-based): chr22:28,719,423, C deleted on the plus strand (G on the coding strand, the reverse complement: CHEK2 is on the minus strand). VCF-style (leftmost placement, unchanged base first): chr22-28719422-TC-T. GRCh37 (hg19) VCF-style: chr22-29115410-TC-T.
Other names: c.655delG (NM_007194.4); c.655del (NM_007194.3); c.784del, p.Glu262fs (NM_001005735.3, NM_001438294.1); c.-9del (NM_001257387.3, NM_001437942.1); c.748del, p.Glu250fs (NM_001438293.1, NM_001438295.1); c.655del, p.Glu219fs (NM_145862.3); c.482+5463del (NM_001349956.3); short protein forms E262fs, E219fs, E250fs.
Identifiers: ClinVar variation 185842 (VCV000185842.26), dbSNP rs786202497, ClinGen allele CA193133.